The following is an entry in ClinVar:

ClinVar aggregate classification (germline): Pathogenic/Likely pathogenic. Review status: criteria provided, multiple submitters, no conflicts (2 of 4 stars). 2 submissions from 2 submitters: Pathogenic (1); Likely pathogenic (1). Last evaluated 2024-02-21.

Conditions:
Deficiency of hydroxymethylglutaryl-CoA lyase (HMGCLD). Also called: HMG-CoA LYASE DEFICIENCY; HMGCL DEFICIENCY; HYDROXYMETHYLGLUTARIC ACIDURIA; Defect in leucine metabolism; 3-hydroxy-3-methylglutaric aciduria. Identifiers: Orphanet 20, MedGen C1533587, MONDO:0009520, OMIM 246450.
Long chain 3-hydroxyacyl-CoA dehydrogenase deficiency. Also called: LCHAD Deficiency; Deficiency of long-chain 3-hydroxyacyl-coenzyme A dehydrogenase. Identifiers: Orphanet 5, MedGen C3711645, MONDO:0012173, OMIM 609016.

Submissions (2):

Natera, Inc.
Classification: Likely pathogenic for Deficiency of long-chain 3-hydroxyacyl-coenzyme A dehydrogenase. Last evaluated: 2024-02-21. Review status: criteria provided, single submitter. Criteria: Natera Variant Classification Schema (03/2026). Collection method: clinical testing. Allele origin: germline.
Comment: The c.477delA variant in HMGCL is a frameshift variant predicted to shift the reading frame beginning at codon 160 and leads to a stop codon 26 codons downstream. This variant is expected to result in nonsense mediated decay, truncation, or a dysfunctional protein product. This variant is rare in the general population with a frequency below the threshold expected for the associated phenotype(s). Given the available evidence, this variant is classified as Likely Pathogenic.

Labcorp Genetics (formerly Invitae), Labcorp
Classification: Pathogenic for Deficiency of hydroxymethylglutaryl-CoA lyase. Last evaluated: 2023-12-19. Review status: criteria provided, single submitter. Criteria: Invitae Variant Classification Sherloc (09022015). Collection method: clinical testing. Allele origin: germline.
Comment: This sequence change creates a premature translational stop signal (p.Ala160Profs*26) in the HMGCL gene. It is expected to result in an absent or disrupted protein product. Loss-of-function variants in HMGCL are known to be pathogenic (PMID: 9817922, 17692550, 23465862). This variant is not present in population databases (gnomAD no frequency). This variant has not been reported in the literature in individuals affected with HMGCL-related conditions. For these reasons, this variant has been classified as Pathogenic.

Literature cited by the submitters: PubMed 9817922 (cited by Labcorp Genetics (formerly Invitae), Labcorp); PubMed 17692550 (cited by Labcorp Genetics (formerly Invitae), Labcorp); PubMed 23465862 (cited by Labcorp Genetics (formerly Invitae), Labcorp).

NM_000191.3(HMGCL):c.477del (p.Ala160fs)

Gene: HMGCL (3-hydroxy-3-methylglutaryl-CoA lyase; minus strand). Cytogenetic location: 1p36.11.
Variant type: Deletion.
Coding change: c.477del on transcript NM_000191.3 (MANE Select); coding-DNA position 477, one base deleted (A; older notation c.477delA).
Protein change: p.Ala160fs; shifts the reading frame from alanine 160.
Molecular consequence: frameshift variant. On other transcripts: intron variant (1).
Genome position (GRCh38, 1-based): chr1:23,814,210, T deleted on the plus strand (A on the coding strand, the reverse complement: HMGCL is on the minus strand). VCF-style (leftmost placement, unchanged base first): chr1-23814209-CT-C. GRCh37 (hg19) VCF-style: chr1-24140699-CT-C.
Other names: c.477delA (NM_000191.2); c.348+2465del (NM_001166059.2); short protein forms A160fs.
Identifiers: ClinVar variation 3009588 (VCV003009588.4), dbSNP rs2521440800, ClinGen allele CA2740090624.
Genomic context (GRCh38, chr1:23,814,209, plus strand): 5'-GAACGGTACAGAGGAAAGGATACCAATGTGCTCTGACTCACCCCCGCACAGAAATATTGG[CT>C]GACTGCGCTGCCTTCAGGATTGCGTCAAACCTCTGAAAACTCTCCTCTATGGAACAATTG-3'